The following is an entry in ClinVar:

NM_000179.3(MSH6):c.3172+6A>T

Gene: MSH6 (mutS homolog 6; plus strand). Cytogenetic location: 2p16.3.
Variant type: single nucleotide variant.
Coding change: c.3172+6A>T on transcript NM_000179.3 (MANE Select); 6 bases into the intron after coding-DNA position 3172, A replaced by T.
Molecular consequence: intron variant.
Genome position (GRCh38, 1-based): chr2:47,801,161, A>T. VCF-style: chr2-47801161-A-T. GRCh37 (hg19) VCF-style: chr2-48028300-A-T.
Other names: c.3172+6A>T (NM_001406809.1, NM_001406796.1, NM_001406808.1 and 2 more transcripts); c.2266+6A>T (NM_001406811.1, NM_001406814.1, NM_001281493.2 and 6 more transcripts); c.2875+6A>T (NM_001406805.1, NM_001406797.1, NM_001406801.1 and 10 more transcripts); c.3268+6A>T (NM_001406795.1, NM_001406802.1); c.3178+6A>T (NM_001406813.1); c.2647+6A>T (NM_001406807.1, NM_001406799.1, NM_001406806.1); c.2308+870A>T (NM_001406803.1); c.1606+1572A>T (NM_001406817.1); and 4 more.
Identifiers: ClinVar variation 3903659 (VCV003903659.1).

ClinVar aggregate classification (germline): Likely benign (1 of 4 stars; one submission).

Conditions:
Lynch syndrome 5 (LYNCH5). Also called: Colorectal cancer, hereditary nonpolyposis, type 5; Hereditary non-polyposis colorectal cancer, type 5. Identifiers: Orphanet 144, MedGen C1833477, MONDO:0013710, OMIM 614350. Disease mechanism: loss of function.

Submission:

Myriad Genetics, Inc.
Classification: Likely benign for Lynch syndrome 5. Last evaluated: 2025-01-03. Review status: criteria provided, single submitter. Criteria: Myriad Autosomal Dominant, Autosomal Recessive and X-Linked Classification Criteria (2023). Collection method: clinical testing. Allele origin: unknown.
Comment: This variant is considered likely benign. This variant is intronic and is not expected to impact mRNA splicing.